The following is an entry in ClinVar:

NM_001184.4(ATR):c.1696G>C (p.Val566Leu)

Gene: ATR (ATR checkpoint kinase; minus strand). Cytogenetic location: 3q23.
Variant type: single nucleotide variant.
Coding change: c.1696G>C on transcript NM_001184.4 (MANE Select); coding-DNA position 1696, G replaced by C.
Protein change: p.Val566Leu; replaces valine 566 with leucine.
Molecular consequence: missense variant.
Genome position (GRCh38, 1-based): chr3:142,559,287, C>G on the plus strand (G>C on the coding strand, the complement: ATR is on the minus strand). VCF-style: chr3-142559287-C-G. GRCh37 (hg19) VCF-style: chr3-142278129-C-G.
Other names: c.1504G>C, p.Val502Leu (NM_001354579.2); short protein forms V502L, V566L.
Identifiers: ClinVar variation 3221062 (VCV003221062.1), dbSNP rs2034794439, ClinGen allele CA354821884.

ClinVar aggregate classification (germline): Uncertain significance (1 of 4 stars; one submission).

Conditions:
Inborn genetic diseases. Identifiers: MedGen C0950123, MeSH D030342.

Submission:

Ambry Genetics
Classification: Uncertain significance for Inborn genetic diseases. Last evaluated: 2023-09-28. Review status: criteria provided, single submitter. Criteria: Ambry Variant Classification Scheme 2023. Collection method: clinical testing. Allele origin: germline.
Comment: The p.V566L variant (also known as c.1696G>C), located in coding exon 7 of the ATR gene, results from a G to C substitution at nucleotide position 1696. The valine at codon 566 is replaced by leucine, an amino acid with highly similar properties. This amino acid position is conserved. In addition, this alteration is predicted to be tolerated by in silico analysis. Since supporting evidence is limited at this time, the clinical significance of this alteration remains unclear.